The following is an entry in ClinVar:

ClinVar aggregate classification (germline): Uncertain significance (1 of 4 stars; one submission).

Submission:

Labcorp Genetics (formerly Invitae), Labcorp
Classification: Uncertain significance. Last evaluated: 2021-10-09. Review status: criteria provided, single submitter. Criteria: Invitae Variant Classification Sherloc (09022015). Collection method: clinical testing. Allele origin: germline.
Comment: In summary, the available evidence is currently insufficient to determine the role of this variant in disease. Therefore, it has been classified as a Variant of Uncertain Significance. Algorithms developed to predict the effect of missense changes on protein structure and function are either unavailable or do not agree on the potential impact of this missense change (SIFT: "Tolerated"; PolyPhen-2: "Not Available"; Align-GVGD: "Class C0"). This variant has not been reported in the literature in individuals affected with PTPN23-related conditions. This sequence change replaces proline with serine at codon 1527 of the PTPN23 protein (p.Pro1527Ser). The proline residue is moderately conserved and there is a moderate physicochemical difference between proline and serine. This variant is not present in population databases (ExAC no frequency).

NM_015466.4(PTPN23):c.4579C>T (p.Pro1527Ser)

Gene: PTPN23 (protein tyrosine phosphatase non-receptor type 23; plus strand). Cytogenetic location: 3p21.31.
Variant type: single nucleotide variant.
Coding change: c.4579C>T on transcript NM_015466.4 (MANE Select); coding-DNA position 4579, C replaced by T.
Protein change: p.Pro1527Ser; replaces proline 1527 with serine.
Molecular consequence: missense variant.
Genome position (GRCh38, 1-based): chr3:47,412,853, C>T. VCF-style: chr3-47412853-C-T. GRCh37 (hg19) VCF-style: chr3-47454343-C-T.
Other names: c.4201C>T, p.Pro1401Ser (NM_001304482.2); short protein forms P1527S, P1401S.
Identifiers: ClinVar variation 1385529 (VCV001385529.6), dbSNP rs2107729574, ClinGen allele CA352568019.
Genomic context (GRCh38, chr3:47,412,853, plus strand): 5'-ATTCGGCCTCCTGGGGGGTTGGAGTCCCCGGTTGCCAGCTTGCCAGGCCCTGCAGAGCCC[C>T]CAGGCCTCCCGCCAGCCAGCCTCCCAGAGTCTACCCCAATCCCATCTTCCTCCCCGCCCC-3'
Protein context (NP_056281.1, residues 1517-1537): VASLPGPAEP[Pro1527Ser]GLPPASLPES